The following is an entry in ClinVar:

ClinVar aggregate classification (germline): Uncertain significance (1 of 4 stars; one submission).

Conditions:
L-2-hydroxyglutaric aciduria (L2HGA). Identifiers: Orphanet 79314, MedGen C1855995, MONDO:0009370, OMIM 236792, HP:0040144.

gnomAD v4.1: 3 of 1,614,046 alleles (0.00019%); highest among the groups gnomAD compares: East Asian, 0.0022%; no homozygotes.

Submission:

Labcorp Genetics (formerly Invitae), Labcorp
Classification: Uncertain significance for L-2-hydroxyglutaric aciduria. Last evaluated: 2022-06-28. Review status: criteria provided, single submitter. Criteria: Invitae Variant Classification Sherloc (09022015). Collection method: clinical testing. Allele origin: germline.
Comment: This sequence change replaces arginine, which is basic and polar, with proline, which is neutral and non-polar, at codon 196 of the L2HGDH protein (p.Arg196Pro). This variant is not present in population databases (gnomAD no frequency). This variant has not been reported in the literature in individuals affected with L2HGDH-related conditions. Algorithms developed to predict the effect of missense changes on protein structure and function are either unavailable or do not agree on the potential impact of this missense change (SIFT: "Tolerated"; PolyPhen-2: "Possibly Damaging"; Align-GVGD: "Class C0"). In summary, the available evidence is currently insufficient to determine the role of this variant in disease. Therefore, it has been classified as a Variant of Uncertain Significance.

NM_024884.3(L2HGDH):c.587G>C (p.Arg196Pro)

Gene: L2HGDH (L-2-hydroxyglutarate dehydrogenase; minus strand). Cytogenetic location: 14q21.3.
Variant type: single nucleotide variant.
Coding change: c.587G>C on transcript NM_024884.3 (MANE Select); coding-DNA position 587, G replaced by C.
Protein change: p.Arg196Pro; replaces arginine 196 with proline.
Molecular consequence: missense variant.
Genome position (GRCh38, 1-based): chr14:50,283,987, C>G on the plus strand (G>C on the coding strand, the complement: L2HGDH is on the minus strand). VCF-style: chr14-50283987-C-G. GRCh37 (hg19) VCF-style: chr14-50750705-C-G.
Other names: short protein forms R196P.
Identifiers: ClinVar variation 1394915 (VCV001394915.3), dbSNP rs767481066, ClinGen allele CA389654028.